The following is an entry in ClinVar:

ClinVar aggregate classification (germline): Uncertain significance (1 of 4 stars; one submission).

Allele frequency attached by ClinVar (database versions not stated): gnomAD exomes below 0.00001.
gnomAD v4.1: 1 of 1,211,778 alleles (0.000083%); highest among the groups gnomAD compares: Admixed American, 0.0022%; no homozygotes.

Submission:

Labcorp Genetics (formerly Invitae), Labcorp
Classification: Uncertain significance. Last evaluated: 2023-04-27. Review status: criteria provided, single submitter. Criteria: Invitae Variant Classification Sherloc (09022015). Collection method: clinical testing. Allele origin: germline.
Comment: This variant has not been reported in the literature in individuals affected with TLR7-related conditions. This sequence change replaces tyrosine, which is neutral and polar, with histidine, which is basic and polar, at codon 133 of the TLR7 protein (p.Tyr133His). This variant is present in population databases (no rsID available, gnomAD 0.004%). An algorithm developed to predict the effect of missense changes on protein structure and function (PolyPhen-2) suggests that this variant is likely to be disruptive. In summary, the available evidence is currently insufficient to determine the role of this variant in disease. Therefore, it has been classified as a Variant of Uncertain Significance.

NM_016562.4(TLR7):c.397T>C (p.Tyr133His)

Gene: TLR7 (toll like receptor 7; plus strand). Cytogenetic location: Xp22.2.
Variant type: single nucleotide variant.
Coding change: c.397T>C on transcript NM_016562.4 (MANE Select); coding-DNA position 397, T replaced by C.
Protein change: p.Tyr133His; replaces tyrosine 133 with histidine.
Molecular consequence: missense variant.
Genome position (GRCh38, 1-based): chrX:12,885,905, T>C. VCF-style: chrX-12885905-T-C. GRCh37 (hg19) VCF-style: chrX-12904024-T-C.
Other names: short protein forms Y133H.
Identifiers: ClinVar variation 2881945 (VCV002881945.3), dbSNP rs1396972847, ClinGen allele CA412404736.
Genomic context (GRCh38, chrX:12,885,905, plus strand): 5'-ATCAAGAGGCTGCAGATTAAACCCAGAAGCTTTAGTGGACTCACTTATTTAAAATCCCTT[T>C]ACCTGGATGGAAACCAGCTACTAGAGATACCGCAGGGCCTCCCGCCTAGCTTACAGCTTC-3'
Protein context (NP_057646.1, residues 123-143): FSGLTYLKSL[Tyr133His]LDGNQLLEIP